The following is an entry in ClinVar:

NM_020435.4(GJC2):c.283C>G (p.Leu95Val)

Gene: GJC2 (gap junction protein gamma 2; plus strand). Cytogenetic location: 1q42.13.
Variant type: single nucleotide variant.
Coding change: c.283C>G on transcript NM_020435.4 (MANE Select); coding-DNA position 283, C replaced by G.
Protein change: p.Leu95Val; replaces leucine 95 with valine.
Molecular consequence: missense variant.
Genome position (GRCh38, 1-based): chr1:228,158,041, C>G. VCF-style: chr1-228158041-C-G. GRCh37 (hg19) VCF-style: chr1-228345742-C-G.
Other names: short protein forms L95V.
Identifiers: ClinVar variation 4293489 (VCV004293489.1).

ClinVar aggregate classification (germline): Uncertain significance (1 of 4 stars; one submission).

Conditions:
Leukodystrophy, hypomyelinating, 2. Also called: PELIZAEUS-MERZBACHER-LIKE DISEASE, 1. Identifiers: Orphanet 280270, Orphanet 280282, MedGen C1837355, MONDO:0012125, OMIM 608804.

gnomAD v4.1: 4 of 1,609,390 alleles (0.00025%); highest among the groups gnomAD compares: Admixed American, 0.005%; no homozygotes.

Submission:

3billion
Classification: Uncertain significance for Leukodystrophy, hypomyelinating, 2. Last evaluated: 2024-12-06. Review status: criteria provided, single submitter. Criteria: ACMG Guidelines, 2015. Collection method: clinical testing. Allele origin: germline. Affected: yes.
Comment: The variant is observed at an extremely low frequency in the gnomAD v4.1.0 dataset (total allele frequency: <0.001%). Predicted Consequence/Location: Missense variant In silico tool predictions suggest damaging effect of the variant on gene or gene product [REVEL: 0.75 (>=0.6, sensitivity 0.68 and specificity 0.92)]. A different missense change at the same codon (p.Leu95Arg) has been reported to be associated with GJC2-related disorder (PMID: 22283455). However the evidence of pathogenicity is insufficient at this time. Therefore, this variant is classified as VUS according to the recommendation of ACMG/AMP guideline.

Literature cited by the submitters: PubMed 22283455.